The following is an entry in ClinVar:

ClinVar aggregate classification (germline): Likely pathogenic (1 of 4 stars; one submission).

Conditions:
Thyroid dyshormonogenesis 6 (TDH6). Also called: HYPOTHYROIDISM, CONGENITAL, DUE TO DYSHORMONOGENESIS, 6; THYROID HORMONOGENESIS, GENETIC DEFECT IN, 6; Genetic transient congenital hypothyroidism. Identifiers: Orphanet 226316, Orphanet 95716, MedGen C1846632, MONDO:0011792, OMIM 607200.

gnomAD v4.1: 8 of 1,446,128 alleles (0.00055%); highest among the groups gnomAD compares: South Asian, 0.012%; no homozygotes.

Submission:

3billion
Classification: Likely pathogenic for Thyroid dyshormonogenesis 6. Last evaluated: 2023-09-21. Review status: criteria provided, single submitter. Criteria: ACMG Guidelines, 2015. Collection method: clinical testing. Allele origin: germline. Affected: yes.
Comment: The variant is not observed in the gnomAD v2.1.1 dataset. Predicted Consequence/Location: Stop-gained (nonsense): predicted to result in a loss or disruption of normal protein function through nonsense-mediated decay (NMD) or protein truncation. Multiple pathogenic variants are reported downstream of the variant. Therefore, this variant is classified as Likely pathogenic according to the recommendation of ACMG/AMP guideline.

NM_001363711.2(DUOX2):c.714C>A (p.Tyr238Ter)

Gene: DUOX2 (dual oxidase 2; minus strand). Cytogenetic location: 15q21.1.
Variant type: single nucleotide variant.
Coding change: c.714C>A on transcript NM_001363711.2 (MANE Select); coding-DNA position 714, C replaced by A.
Protein change: p.Tyr238Ter; replaces tyrosine 238 with a stop codon.
Molecular consequence: nonsense.
Genome position (GRCh38, 1-based): chr15:45,111,385, G>T on the plus strand (C>A on the coding strand, the complement: DUOX2 is on the minus strand). VCF-style: chr15-45111385-G-T. GRCh37 (hg19) VCF-style: chr15-45403583-G-T.
Other names: c.714C>A, p.Tyr238Ter (NM_014080.5); short protein forms Y238*.
Identifiers: ClinVar variation 3775775 (VCV003775775.2), dbSNP rs779861023.